The following is an entry in ClinVar:

ClinVar aggregate classification (germline): Uncertain significance (1 of 4 stars; one submission).

Allele frequency attached by ClinVar (database versions not stated): gnomAD exomes below 0.00001.
gnomAD v4.1: 1 of 1,605,432 alleles (0.000062%); highest among the groups gnomAD compares: Non-Finnish European, 0.000085%; no homozygotes.

Submission:

CeGaT Center for Human Genetics Tuebingen
Classification: Uncertain significance. Last evaluated: 2023-10-01. Review status: criteria provided, single submitter. Criteria: CeGaT Center For Human Genetics Tuebingen Variant Classification Criteria Version 2. Collection method: clinical testing. Allele origin: germline. Affected: yes. Observed: 1 variant allele.
Comment: RYR3: PM2, PP3

NM_001036.6(RYR3):c.1775G>A (p.Gly592Glu)

Gene: RYR3 (ryanodine receptor 3; plus strand). Cytogenetic location: 15q14.
Variant type: single nucleotide variant.
Coding change: c.1775G>A on transcript NM_001036.6 (MANE Select); coding-DNA position 1775, G replaced by A.
Protein change: p.Gly592Glu; replaces glycine 592 with glutamic acid.
Molecular consequence: missense variant.
Genome position (GRCh38, 1-based): chr15:33,586,103, G>A. VCF-style: chr15-33586103-G-A. GRCh37 (hg19) VCF-style: chr15-33878304-G-A.
Other names: c.1775G>A, p.Gly592Glu (NM_001243996.4); short protein forms G592E.
Identifiers: ClinVar variation 2645135 (VCV002645135.24), dbSNP rs2509866452, ClinGen allele CA391572872.
Genomic context (GRCh38, chr15:33,586,103, plus strand): 5'-CCTTAAATCTGATAGCGGAGGGCCACATCAAGTCGATCATCTCCCTGTTGGATAAGCACG[G>A]GCGGAATCACAAGGTAGGTGTGGAAAGAACGGTGATTGACTTTGCCTGGTGTTTCCCTCC-3'
Protein context (NP_001027.3, residues 582-602): KSIISLLDKH[Gly592Glu]RNHKVLDILC